The following is an entry in ClinVar:

ClinVar aggregate classification (germline): Likely pathogenic. Review status: criteria provided, single submitter (1 of 4 stars). 2 submissions from 2 submitters: Likely pathogenic (1). 1 of the submissions does not count toward it. Last evaluated 2025-09-17.

Conditions:
Trichothiodystrophy 1, photosensitive (TTD1). Also called: TAY SYNDROME; TRICHOTHIODYSTROPHY WITH CONGENITAL ICHTHYOSIS; PIBIDS SYNDROME. Identifiers: Orphanet 33364, MedGen C1866504, MONDO:0011125, OMIM 601675.
Xeroderma pigmentosum, group D (XPD). Also called: XERODERMA PIGMENTOSUM IV; XP, GROUP D; XP, GROUP H; XERODERMA PIGMENTOSUM, COMPLEMENTATION GROUP D; ERCC2-Related Xeroderma Pigmentosum. Identifiers: MedGen C0268138, MONDO:0010212, OMIM 278730.
Cerebrooculofacioskeletal syndrome 2 (COFS2). Identifiers: MedGen C1853102, MONDO:0012553, OMIM 610756.

gnomAD v4.1: 2 of 1,613,984 alleles (0.00012%); highest among the groups gnomAD compares: South Asian, 0.0011%; no homozygotes.

Submissions (2):

First Genomix Gene Laboratory, Genetic Diagnostics Department
Classification: Likely pathogenic for Cerebrooculofacioskeletal syndrome 2; Trichothiodystrophy 1, photosensitive; Xeroderma pigmentosum, group D. Last evaluated: 2025-09-17. Review status: criteria provided, single submitter. Criteria: ACMG Guidelines, 2015. Collection method: clinical testing. Allele origin: germline. Inheritance: Autosomal recessive inheritance. Affected: no. Observed: 1 variant allele.

OMIM
Classification: Pathogenic for XERODERMA PIGMENTOSUM, COMPLEMENTATION GROUP D. Last evaluated: 1994-10-01. Review status: no assertion criteria provided. Collection method: literature only. Allele origin: germline. Not counted in ClinVar's aggregate classification.

Literature cited by the submitters: PubMed 7849702 (cited by OMIM).

NM_000400.4(ERCC2):c.2176C>T (p.Gln726Ter)

Gene: ERCC2 (ERCC excision repair 2, TFIIH core complex helicase subunit; minus strand). Cytogenetic location: 19q13.32.
Variant type: single nucleotide variant.
Coding change: c.2176C>T on transcript NM_000400.4 (MANE Select); coding-DNA position 2176, C replaced by T.
Protein change: p.Gln726Ter; replaces glutamine 726 with a stop codon.
Molecular consequence: nonsense.
Genome position (GRCh38, 1-based): chr19:45,352,223, G>A on the plus strand (C>T on the coding strand, the complement: ERCC2 is on the minus strand). VCF-style: chr19-45352223-G-A. GRCh37 (hg19) VCF-style: chr19-45855481-G-A.
Other names: short protein forms Q726*.
Identifiers: ClinVar variation 16780 (VCV000016780.1), dbSNP rs121913017, ClinGen allele CA257623.